The following is an entry in ClinVar:

NM_006015.6(ARID1A):c.1409A>C (p.Tyr470Ser)

Gene: ARID1A (AT-rich interaction domain 1A; plus strand). Cytogenetic location: 1p36.11.
Variant type: single nucleotide variant.
Coding change: c.1409A>C on transcript NM_006015.6 (MANE Select); coding-DNA position 1409, A replaced by C.
Protein change: p.Tyr470Ser; replaces tyrosine 470 with serine.
Molecular consequence: missense variant.
Genome position (GRCh38, 1-based): chr1:26,731,210, A>C. VCF-style: chr1-26731210-A-C. GRCh37 (hg19) VCF-style: chr1-27057701-A-C.
Other names: c.1409A>C, p.Tyr470Ser (NM_139135.4); short protein forms Y470S.
Identifiers: ClinVar variation 1504205 (VCV001504205.6), dbSNP rs2124788094, ClinGen allele CA339268001.

ClinVar aggregate classification (germline): Uncertain significance (1 of 4 stars; one submission).

Submission:

Labcorp Genetics (formerly Invitae), Labcorp
Classification: Uncertain significance. Last evaluated: 2022-08-10. Review status: criteria provided, single submitter. Criteria: Invitae Variant Classification Sherloc (09022015). Collection method: clinical testing. Allele origin: germline.
Comment: In summary, the available evidence is currently insufficient to determine the role of this variant in disease. Therefore, it has been classified as a Variant of Uncertain Significance. Algorithms developed to predict the effect of missense changes on protein structure and function (SIFT, PolyPhen-2, Align-GVGD) all suggest that this variant is likely to be tolerated. ClinVar contains an entry for this variant (Variation ID: 1504205). This variant has not been reported in the literature in individuals affected with ARID1A-related conditions. This variant is not present in population databases (gnomAD no frequency). This sequence change replaces tyrosine, which is neutral and polar, with serine, which is neutral and polar, at codon 470 of the ARID1A protein (p.Tyr470Ser).